The following is an entry in ClinVar:

NM_004999.4(MYO6):c.3423A>G (p.Pro1141=)

Gene: MYO6 (myosin VI; plus strand). Cytogenetic location: 6q14.1.
Variant type: single nucleotide variant.
Coding change: c.3423A>G on transcript NM_004999.4 (MANE Select); coding-DNA position 3423, A replaced by G.
Protein change: p.Pro1141=; no amino-acid change (proline 1141 retained).
Molecular consequence: synonymous variant. On other transcripts: intron variant (3).
Genome position (GRCh38, 1-based): chr6:75,911,682, A>G. VCF-style: chr6-75911682-A-G. GRCh37 (hg19) VCF-style: chr6-76621399-A-G.
Other names: c.3354A>G, p.Pro1118= (NM_001300899.2); c.3339A>G, p.Pro1113= (NM_001368138.1); c.3450A>G, p.Pro1150= (NM_001368865.1); c.3440-2381A>G (NM_001368866.1); c.3401-2381A>G (NM_001368137.1); c.3344-2381A>G (NM_001368136.1); c.3423A>G (NM_004999.3).
Identifiers: ClinVar variation 3719707 (VCV003719707.3).
Genomic context (GRCh38, chr6:75,911,682, plus strand): 5'-ACAGTTTTGGCATTTTTATCTTTTCTTCAACATAAAATATTTGTTCACAGATTTTGCACC[A>G]TTTTTGAACAATTCACGTAAGTCAATGGGTGGTAACTCATGAGCTAACTGGAAGATGGGT-3'
Protein context (NP_004990.3, residues 1131-1151): PKSVTDYDFA[Pro1141=]FLNNSPQQNP

ClinVar aggregate classification (germline): Likely benign. Review status: criteria provided, multiple submitters, no conflicts (2 of 4 stars). 2 submissions from 2 submitters: Likely benign (2). Last evaluated 2026-06-18.

Conditions:
MYO6-related disorder. Also called: MYO6-related disorders; MYO6-related condition.

gnomAD v4.1: 4 of 1,611,956 alleles (0.00025%); highest among the groups gnomAD compares: East Asian, 0.0022%; no homozygotes.

Submissions (2):

PreventionGenetics, part of Exact Sciences
Classification: Likely benign for MYO6-related condition. Last evaluated: 2026-06-18. Review status: criteria provided, single submitter. Criteria: ACMG Guidelines, 2015. Collection method: clinical testing. Allele origin: germline.
Comment: This variant is classified as likely benign based on ACMG/AMP sequence variant interpretation guidelines (Richards et al. 2015 PMID: 25741868, with internal and published modifications).

Labcorp Genetics (formerly Invitae), Labcorp
Classification: Likely benign. Last evaluated: 2024-11-18. Review status: criteria provided, single submitter. Criteria: Invitae Variant Classification Sherloc (09022015). Collection method: clinical testing. Allele origin: germline.